The following is an entry in ClinVar:

NM_002618.4(PEX13):c.980C>G (p.Pro327Arg)

Gene: PEX13 (peroxisomal biogenesis factor 13; plus strand). Cytogenetic location: 2p15.
Variant type: single nucleotide variant.
Coding change: c.980C>G on transcript NM_002618.4 (MANE Select); coding-DNA position 980, C replaced by G.
Protein change: p.Pro327Arg; replaces proline 327 with arginine.
Molecular consequence: missense variant.
Genome position (GRCh38, 1-based): chr2:61,048,538, C>G. VCF-style: chr2-61048538-C-G. GRCh37 (hg19) VCF-style: chr2-61275673-C-G.
Other names: short protein forms P327R.
Identifiers: ClinVar variation 3768536 (VCV003768536.1).

ClinVar aggregate classification (germline): Uncertain significance (1 of 4 stars; one submission).

gnomAD v4.1: 1 of 1,614,032 alleles (0.000062%); highest among the groups gnomAD compares: Non-Finnish European, 0.000085%; no homozygotes.

Submission:

Women's Health and Genetics/Laboratory Corporation of America, LabCorp
Classification: Uncertain significance. Last evaluated: 2024-12-18. Review status: criteria provided, single submitter. Criteria: LabCorp Variant Classification Summary - May 2015. Collection method: clinical testing. Allele origin: germline.
Comment: Variant summary: PEX13 c.980C>G (p.Pro327Arg) results in a non-conservative amino acid change in the encoded protein sequence. Five of five in-silico tools predict a damaging effect of the variant on protein function. The variant was absent in 251464 control chromosomes (gnomAD). c.980C>G has been reported in the literature in a homozygous individual affected with Zellweger Syndrome (Ebberink_2011). These data indicate that the variant may be associated with disease. To our knowledge, no experimental evidence demonstrating an impact on protein function has been reported. The following publication has been ascertained in the context of this evaluation (PMID: 21031596). No submitters have cited clinical-significance assessments for this variant to ClinVar. Based on the evidence outlined above, the variant was classified as VUS-possibly pathogenic.

Literature cited by the submitters: PubMed 21031596.